The following is an entry in ClinVar:

ClinVar aggregate classification (germline): Uncertain significance (1 of 4 stars; one submission).

Allele frequency attached by ClinVar (database versions not stated): gnomAD exomes below 0.00001; ExAC 0.00001; gnomAD 0.00001 and 0.00002.
gnomAD v4.1: 5 of 1,613,294 alleles (0.00031%); highest among the groups gnomAD compares: African/African-American, 0.004%; no homozygotes.

Submission:

GeneDx
Classification: Uncertain significance. Last evaluated: 2020-06-24. Review status: criteria provided, single submitter. Criteria: GeneDx Variant Classification Process June 2021. Collection method: clinical testing. Allele origin: germline. Affected: yes.
Comment: In silico analysis supports that this missense variant has a deleterious effect on protein structure/function; Has not been previously published as pathogenic or benign to our knowledge

NM_002427.4(MMP13):c.731A>G (p.Tyr244Cys)

Gene: MMP13 (matrix metallopeptidase 13; minus strand). Cytogenetic location: 11q22.2.
Variant type: single nucleotide variant.
Coding change: c.731A>G on transcript NM_002427.4 (MANE Select); coding-DNA position 731, A replaced by G.
Protein change: p.Tyr244Cys; replaces tyrosine 244 with cysteine.
Molecular consequence: missense variant.
Genome position (GRCh38, 1-based): chr11:102,952,080, T>C on the plus strand (A>G on the coding strand, the complement: MMP13 is on the minus strand). VCF-style: chr11-102952080-T-C. GRCh37 (hg19) VCF-style: chr11-102822809-T-C.
Other names: short protein forms Y244C.
Identifiers: ClinVar variation 1312851 (VCV001312851.2), dbSNP rs782174903, ClinGen allele CA6251913.